The following is an entry in ClinVar:

ClinVar aggregate classification (germline): Uncertain significance (1 of 4 stars; one submission).

Conditions:
Malignant hyperthermia, susceptibility to, 1 (MHS1). Also called: Anesthesia related hyperthermia; Malignant hyperpyrexia; Fulminating hyperpyrexia; Pharmacogenic myopathy; RYR1-Related Malignant Hyperthermia Susceptibility; Malignant hyperthermia suceptibility 1. Identifiers: Orphanet 423, MedGen C2930980, MONDO:0007783, OMIM 145600.

Submission:

All of Us Research Program, National Institutes of Health
Classification: Uncertain significance for Malignant hyperthermia, susceptibility to, 1. Last evaluated: 2023-08-08. Review status: criteria provided, single submitter. Criteria: ACMG Guidelines, 2015. Collection method: clinical testing. Allele origin: germline. Inheritance: Autosomal dominant inheritance. Observed: 1 variant allele, 1 heterozygote.
Comment: This variant inserts 2 nucleotides in exon 59 of the RYR1 gene, creating a frameshift and premature translation stop signal. This variant is expected to result in an absent or non-functional protein product. To our knowledge, this variant has not been reported in individuals affected with RYR1-related disorders in the literature. This variant has not been identified in the general population by the Genome Aggregation Database (gnomAD). Loss of RYR1 function due to truncation variants is not an established disease mechanism for autosomal dominant malignant hyperthermia, although it is associated with other phenotype(s). Due to insufficient evidence, this variant is classified as a Variant of Uncertain Significance for autosomal dominant malignant hyperthermia.

This study involves interpretation of variants in research participants for the purpose of population health screening. Participant phenotype was not available at the time of variant classification. Additional details can be found in publication PMID: 35346344, PMCID: PMC8962531

NM_000540.3(RYR1):c.8991_8992insGA (p.Phe2998fs)

Gene: RYR1 (ryanodine receptor 1; plus strand). Cytogenetic location: 19q13.2.
Variant type: Insertion.
Coding change: c.8991_8992insGA on transcript NM_000540.3 (MANE Select); coding-DNA positions 8991 to 8992, GA inserted.
Protein change: p.Phe2998fs; shifts the reading frame from phenylalanine 2998.
Molecular consequence: frameshift variant.
Genome position: GRCh38 VCF-style: chr19-38510556-C-CGA. GRCh37 (hg19) VCF-style: chr19-39001196-C-CGA.
Other names: c.8991_8992insGA, p.Phe2998fs (NM_001042723.2); short protein forms F2998fs.
Identifiers: ClinVar variation 3072593 (VCV003072593.1), dbSNP rs2514394112, ClinGen allele CA2825002797.